The following is an entry in ClinVar:

ClinVar aggregate classification (germline): Uncertain significance (1 of 4 stars; one submission).

Conditions:
Combined immunodeficiency due to OX40 deficiency. Also called: Immunodeficiency 16; OX40 DEFICIENCY. Identifiers: Orphanet 431149, MedGen C3810053, MONDO:0014268, OMIM 615593.

Allele frequency attached by ClinVar (database versions not stated): gnomAD exomes 0.00001.

Submission:

Labcorp Genetics (formerly Invitae), Labcorp
Classification: Uncertain significance for Combined immunodeficiency due to OX40 deficiency. Last evaluated: 2020-03-04. Review status: criteria provided, single submitter. Criteria: Invitae Variant Classification Sherloc (09022015). Collection method: clinical testing. Allele origin: germline.
Comment: This sequence change replaces aspartic acid with glycine at codon 124 of the TNFRSF4 protein (p.Asp124Gly). The aspartic acid residue is moderately conserved and there is a moderate physicochemical difference between aspartic acid and glycine. The frequency data for this variant in the population databases is considered unreliable, as metrics indicate insufficient coverage at this position in the ExAC database. This variant has not been reported in the literature in individuals with TNFRSF4-related conditions. Algorithms developed to predict the effect of missense changes on protein structure and function (SIFT, PolyPhen-2, Align-GVGD) all suggest that this variant is likely to be tolerated, but these predictions have not been confirmed by published functional studies and their clinical significance is uncertain. In summary, the available evidence is currently insufficient to determine the role of this variant in disease. Therefore, it has been classified as a Variant of Uncertain Significance.

NM_003327.4(TNFRSF4):c.371A>G (p.Asp124Gly)

Gene: TNFRSF4 (TNF receptor superfamily member 4; minus strand). Cytogenetic location: 1p36.33.
Variant type: single nucleotide variant.
Coding change: c.371A>G on transcript NM_003327.4 (MANE Select); coding-DNA position 371, A replaced by G.
Protein change: p.Asp124Gly; replaces aspartic acid 124 with glycine.
Molecular consequence: missense variant.
Genome position (GRCh38, 1-based): chr1:1,212,704, T>C on the plus strand (A>G on the coding strand, the complement: TNFRSF4 is on the minus strand). VCF-style: chr1-1212704-T-C. GRCh37 (hg19) VCF-style: chr1-1148084-T-C.
Other names: short protein forms D124G.
Identifiers: ClinVar variation 1003989 (VCV001003989.8), dbSNP rs1448767765, ClinGen allele CA337801181.
Genomic context (GRCh38, chr1:1,212,704, plus strand): 5'-CAGGGCTTGCAGGCCTGGTTGTCGCCTGGGGAGAAGTGCCCTGGAGGGCAGGGGGCACAG[T>C]CTGCAACAAAGATAGGGTGGTCAGGGGCTGCCCACAGGCCCCGGGTGCTGGGGACATGGG-3'
Protein context (NP_003318.1, residues 114-134): QPLDSYKPGV[Asp124Gly]CAPCPPGHFS